The following is an entry in ClinVar:

NM_004517.4(ILK):c.648C>T (p.Asp216=)

Genes: ILK (integrin linked kinase; plus strand), TAF10 (TATA-box binding protein associated factor 10; minus strand). Cytogenetic location: 11p15.4.
Variant type: single nucleotide variant.
Coding change: c.648C>T on transcript NM_004517.4 (MANE Select); coding-DNA position 648, C replaced by T.
Protein change: p.Asp216=; no amino-acid change (aspartic acid 216 retained).
Molecular consequence: synonymous variant. On other transcripts: 3 prime UTR variant (1).
Genome position (GRCh38, 1-based): chr11:6,609,328, C>T. VCF-style: chr11-6609328-C-T. GRCh37 (hg19) VCF-style: chr11-6630559-C-T.
Other names: c.648C>T, p.Asp216= (NM_001014794.3, NM_001014795.3); c.465C>T, p.Asp155= (NM_001278441.2); c.246C>T, p.Asp82= (NM_001278442.2); c.*1594G>A (NM_006284.4).
Identifiers: ClinVar variation 3058794 (VCV003058794.2), dbSNP rs1398161503, ClinGen allele CA472921089.

ClinVar aggregate classification (germline): Likely benign (0 of 4 stars; one submission).

Conditions:
ILK-related disorder. Also called: ILK-related condition.

Allele frequency attached by ClinVar (database versions not stated): TOPMed below 0.00001; gnomAD exomes 0.00001.
gnomAD v4.1: 10 of 1,614,154 alleles (0.00062%); highest among the groups gnomAD compares: Middle Eastern, 0.016%; no homozygotes.

Submission:

PreventionGenetics, part of Exact Sciences
Classification: Likely benign for ILK-related condition. Last evaluated: 2019-03-14. Review status: no assertion criteria provided. Collection method: clinical testing. Allele origin: germline.
Comment: This variant is classified as likely benign based on ACMG/AMP sequence variant interpretation guidelines (Richards et al. 2015 PMID: 25741868, with internal and published modifications).